The following is an entry in ClinVar:

NM_004519.4(KCNQ3):c.1564G>A (p.Val522Ile)

Gene: KCNQ3 (potassium voltage-gated channel subfamily Q member 3; minus strand). Cytogenetic location: 8q24.22.
Variant type: single nucleotide variant.
Coding change: c.1564G>A on transcript NM_004519.4 (MANE Select); coding-DNA position 1564, G replaced by A.
Protein change: p.Val522Ile; replaces valine 522 with isoleucine.
Molecular consequence: missense variant.
Genome position (GRCh38, 1-based): chr8:132,140,080, C>T on the plus strand (G>A on the coding strand, the complement: KCNQ3 is on the minus strand). VCF-style: chr8-132140080-C-T. GRCh37 (hg19) VCF-style: chr8-133152327-C-T.
Other names: c.1204G>A, p.Val402Ile (NM_001204824.2); short protein forms V522I, V402I.
Identifiers: ClinVar variation 193878 (VCV000193878.43), dbSNP rs143683496, ClinGen allele CA239571.
Genomic context (GRCh38, chr8:132,140,080, plus strand): 5'-AGTTGAGCTGGAGCGGGGGAGGCACACAGGCACAGGTGGGACCGTGGGGGCATTACCTGA[C>T]GGCTCGGATGGCGGCCTTCAGGGTGGGGATCATGTCTTCGATGGGGAAGTCATTCCCATA-3'
Protein context (NP_004510.1, residues 512-532): IPTLKAAIRA[Val522Ile]RILQFRLYKK

ClinVar aggregate classification (germline): Conflicting classifications of pathogenicity. Review status: criteria provided, conflicting classifications (1 of 4 stars). 5 submissions from 5 submitters: Uncertain significance (3); Benign (1); Likely benign (1). Last evaluated 2024-12-30.

Conditions:
Benign neonatal seizures. Also called: Benign neonatal familial convulsions; Benign familial neonatal epilepsy; Convulsions benign familial neonatal dominant form; Autosomal dominant form of benign neonatal seizures; Benign familial neonatal seizures. Identifiers: Orphanet 1949, MedGen C0220669, MONDO:0016027.
Inborn genetic diseases. Identifiers: MedGen C0950123, MeSH D030342.
Seizures, benign familial neonatal, 2. Also called: KCNQ3-Related Benign Familial Neonatal Epilepsy; CONVULSIONS, BENIGN FAMILIAL NEONATAL, 2; Benign Neonatal Epilepsy 2; Seizures, benign neonatal, 2; KCNQ3-Related Self-Limited Familial Neonatal Epilepsy (SLFNE). Identifiers: Orphanet 1949, MedGen C1852581, MONDO:0007366, OMIM 121201.

Allele frequency attached by ClinVar (database versions not stated): TOPMed 0.00003; gnomAD 0.00004 and 0.00005; gnomAD exomes 0.00005 and 0.00008; ExAC 0.00007; ESP Exome Variant Server 0.00015; 1000 Genomes Project 30x 0.00016; 1000 Genomes Project 0.00020.
gnomAD v4.1: 75 of 1,591,502 alleles (0.0047%); highest among the groups gnomAD compares: Middle Eastern, 0.017%; no homozygotes.

Submissions (5):

Labcorp Genetics (formerly Invitae), Labcorp
Classification: Uncertain significance for Benign neonatal seizures. Last evaluated: 2024-12-30. Review status: criteria provided, single submitter. Criteria: Invitae Variant Classification Sherloc (09022015). Collection method: clinical testing. Allele origin: germline.
Comment: This sequence change replaces valine, which is neutral and non-polar, with isoleucine, which is neutral and non-polar, at codon 522 of the KCNQ3 protein (p.Val522Ile). This variant is present in population databases (rs143683496, gnomAD 0.01%). This variant has not been reported in the literature in individuals affected with KCNQ3-related conditions. ClinVar contains an entry for this variant (Variation ID: 193878). Invitae Evidence Modeling of protein sequence and biophysical properties (such as structural, functional, and spatial information, amino acid conservation, physicochemical variation, residue mobility, and thermodynamic stability) indicates that this missense variant is not expected to disrupt KCNQ3 protein function with a negative predictive value of 80%. In summary, the available evidence is currently insufficient to determine the role of this variant in disease. Therefore, it has been classified as a Variant of Uncertain Significance.

Ambry Genetics
Classification: Likely benign for Inborn genetic diseases. Last evaluated: 2024-09-24. Review status: criteria provided, single submitter. Criteria: Ambry Variant Classification Scheme 2023. Collection method: clinical testing. Allele origin: germline.

CeGaT Center for Human Genetics Tuebingen
Classification: Uncertain significance. Last evaluated: 2023-08-01. Review status: criteria provided, single submitter. Criteria: CeGaT Center For Human Genetics Tuebingen Variant Classification Criteria Version 2. Collection method: clinical testing. Allele origin: germline. Affected: yes. Observed: 1 variant allele.

Illumina Laboratory Services, Illumina
Classification: Benign for Seizures, benign familial neonatal, 2. Last evaluated: 2018-01-13. Review status: criteria provided, single submitter. Criteria: ICSL Variant Classification Criteria 13 December 2019. Collection method: clinical testing. Allele origin: germline.
Comment: This variant was observed in the ICSL laboratory as part of a predisposition screen in an ostensibly healthy population. It had not been previously curated by ICSL or reported in the Human Gene Mutation Database (HGMD: prior to June 1st, 2018), and was therefore a candidate for classification through an automated scoring system. Utilizing variant allele frequency, disease prevalence and penetrance estimates, and inheritance mode, an automated score was calculated to assess if this variant is too frequent to cause the disease. Based on the score and internal cut-off values, a variant classified as benign is not then subjected to further curation. The score for this variant resulted in a classification of benign for this disease.

Eurofins Ntd Llc (ga)
Classification: Uncertain significance. Last evaluated: 2015-12-22. Review status: criteria provided, single submitter. Criteria: EGL Classification Definitions 2015. Collection method: clinical testing. Allele origin: germline. Observed: 3 variant alleles, 3 heterozygotes.